The following is an entry in ClinVar:

NM_001393586.1(MYO7B):c.4778C>T (p.Thr1593Met)

Gene: MYO7B (myosin VIIB; plus strand). Cytogenetic location: 2q14.3.
Variant type: single nucleotide variant.
Coding change: c.4778C>T on transcript NM_001393586.1 (MANE Select); coding-DNA position 4778, C replaced by T.
Protein change: p.Thr1593Met; replaces threonine 1593 with methionine.
Molecular consequence: missense variant.
Genome position (GRCh38, 1-based): chr2:127,629,798, C>T. VCF-style: chr2-127629798-C-T. GRCh37 (hg19) VCF-style: chr2-128387373-C-T.
Other names: c.4700C>T, p.Thr1567Met (NM_001080527.2); c.1259C>T, p.Thr420Met (NM_001393594.1); short protein forms T1567M, T1593M, T420M.
Identifiers: ClinVar variation 3353667 (VCV003353667.2).

ClinVar aggregate classification (germline): Uncertain significance. Review status: criteria provided, single submitter (1 of 4 stars). 2 submissions from 2 submitters: Uncertain significance (1). 1 of the submissions does not count toward it. Last evaluated 2025-09-10.

Conditions:
MYO7B-related disorder. Also called: MYO7B-related condition.

gnomAD v4.1: 408 of 1,584,958 alleles (0.026%); highest among the groups gnomAD compares: African/African-American, 0.43%; 3 homozygotes.

Submissions (2):

Ambry Genetics
Classification: Uncertain significance. Last evaluated: 2025-09-10. Review status: criteria provided, single submitter. Criteria: Ambry Variant Classification Scheme 2023. Collection method: clinical testing. Allele origin: germline.

PreventionGenetics, part of Exact Sciences
Classification: Likely benign for MYO7B-related condition. Last evaluated: 2024-07-20. Review status: no assertion criteria provided. Collection method: clinical testing. Allele origin: germline. Not counted in ClinVar's aggregate classification.
Comment: This variant is classified as likely benign based on ACMG/AMP sequence variant interpretation guidelines (Richards et al. 2015 PMID: 25741868, with internal and published modifications).